The following is an entry in ClinVar:

NM_001844.5(COL2A1):c.3234dup (p.Ala1079fs)

Gene: COL2A1 (collagen type II alpha 1 chain; minus strand). Cytogenetic location: 12q13.11.
Variant type: Duplication.
Coding change: c.3234dup on transcript NM_001844.5 (MANE Select); coding-DNA position 3234, one base duplicated (C; older notation c.3234dupC).
Protein change: p.Ala1079fs; shifts the reading frame from alanine 1079.
Molecular consequence: frameshift variant.
Genome position (GRCh38, 1-based): chr12:47,977,359, G duplicated on the plus strand (C on the coding strand, the reverse complement: COL2A1 is on the minus strand); the first of 4 consecutive G bases (chr12:47,977,359-47,977,362); duplicating any one gives the same sequence. VCF-style (leftmost placement, unchanged base first): chr12-47977358-C-CG. GRCh37 (hg19) VCF-style: chr12-48371141-C-CG.
Other names: c.3027dup, p.Ala1010fs (NM_033150.3); short protein forms A1079fs, A1010fs.
Identifiers: ClinVar variation 1419241 (VCV001419241.6), dbSNP rs2136521308, ClinGen allele CA2573148618.

ClinVar aggregate classification (germline): Pathogenic (1 of 4 stars; one submission).

Submission:

Labcorp Genetics (formerly Invitae), Labcorp
Classification: Pathogenic. Last evaluated: 2025-07-13. Review status: criteria provided, single submitter. Criteria: Invitae Variant Classification Sherloc (09022015). Collection method: clinical testing. Allele origin: germline.
Comment: This sequence change creates a premature translational stop signal (p.Ala1079Argfs*39) in the COL2A1 gene. It is expected to result in an absent or disrupted protein product. Loss-of-function variants in COL2A1 are known to be pathogenic (PMID: 20179744). This variant is not present in population databases (gnomAD no frequency). This variant has not been reported in the literature in individuals affected with COL2A1-related conditions. ClinVar contains an entry for this variant (Variation ID: 1419241). For these reasons, this variant has been classified as Pathogenic.

Literature cited by the submitters: PubMed 20179744.